The following is an entry in ClinVar:

NM_000218.3(KCNQ1):c.1393+32192C>T

Genes: KCNQ1 (potassium voltage-gated channel subfamily Q member 1; plus strand), KCNQ1OT1 (KCNQ1 opposite strand/antisense transcript 1; minus strand). Cytogenetic location: 11p15.5.
Variant type: single nucleotide variant.
Coding change: c.1393+32192C>T on transcript NM_000218.3 (MANE Select); 32192 bases into the intron after coding-DNA position 1393, C replaced by T.
Molecular consequence: intron variant.
Genome position (GRCh38, 1-based): chr11:2,621,046, C>T. VCF-style: chr11-2621046-C-T. GRCh37 (hg19) VCF-style: chr11-2642276-C-T.
Other names: c.1123+32192C>T (NM_001406837.1); c.1297+32192C>T (NM_001406836.1); c.853+32192C>T (NM_001406838.1); c.1012+32192C>T (NM_181798.2).
Identifiers: ClinVar variation 1879169 (VCV001879169.29), dbSNP rs577952361, ClinGen allele CA216362499.

ClinVar aggregate classification (germline): Benign (1 of 4 stars; one submission).

Allele frequency attached by ClinVar (database versions not stated): gnomAD exomes 0.00112; 1000 Genomes Project 0.00160; 1000 Genomes Project 30x 0.00172; TOPMed 0.00249; gnomAD 0.00253.
gnomAD v4.1: 653 of 396,398 alleles (0.16%); highest among the groups gnomAD compares: African/African-American, 0.57%; 2 homozygotes.

Submission:

CeGaT Center for Human Genetics Tuebingen
Classification: Benign. Last evaluated: 2026-04-01. Review status: criteria provided, single submitter. Criteria: CeGaT Center For Human Genetics Tuebingen Variant Classification Criteria Version 2. Collection method: clinical testing. Allele origin: germline. Affected: yes. Observed: 5 variant alleles.
Comment: KCNQ1OT1: BS1, BS2